The following is an entry in ClinVar:

ClinVar aggregate classification (germline): Uncertain significance. Review status: criteria provided, multiple submitters, no conflicts (2 of 4 stars). 2 submissions from 2 submitters: Uncertain significance (2). Last evaluated 2025-09-16.

Conditions:
Familial thoracic aortic aneurysm and aortic dissection (TAAD). Also called: Thoracic aortic aneurysms and dissections. Identifiers: Orphanet 91387, MedGen C4707243, MONDO:0019625.
Aortic aneurysm, familial thoracic 4 (AAT4). Also called: AORTIC ANEURYSM/AORTIC DISSECTION AND PATENT DUCTUS ARTERIOSUS. Identifiers: MedGen C1851504, MONDO:0007568, OMIM 132900.

Allele frequency attached by ClinVar (database versions not stated): gnomAD exomes below 0.00001.
gnomAD v4.1: 1 of 1,614,134 alleles (0.000062%); highest among the groups gnomAD compares: African/African-American, 0.0013%; no homozygotes.

Submissions (2):

Labcorp Genetics (formerly Invitae), Labcorp
Classification: Uncertain significance for Aortic aneurysm, familial thoracic 4. Last evaluated: 2025-09-16. Review status: criteria provided, single submitter. Criteria: Invitae Variant Classification Sherloc (09022015). Collection method: clinical testing. Allele origin: germline.
Comment: This sequence change replaces methionine, which is neutral and non-polar, with isoleucine, which is neutral and non-polar, at codon 1551 of the MYH11 protein (p.Met1551Ile). This variant is not present in population databases (gnomAD no frequency). This variant has not been reported in the literature in individuals affected with MYH11-related conditions. ClinVar contains an entry for this variant (Variation ID: 3222388). Invitae Evidence Modeling of protein sequence and biophysical properties (such as structural, functional, and spatial information, amino acid conservation, physicochemical variation, residue mobility, and thermodynamic stability) indicates that this missense variant is not expected to disrupt MYH11 protein function with a negative predictive value of 95%. In summary, the available evidence is currently insufficient to determine the role of this variant in disease. Therefore, it has been classified as a Variant of Uncertain Significance.

Ambry Genetics
Classification: Uncertain significance for Familial thoracic aortic aneurysm and aortic dissection. Last evaluated: 2024-03-11. Review status: criteria provided, single submitter. Criteria: Ambry Variant Classification Scheme 2023. Collection method: clinical testing. Allele origin: germline.
Comment: The p.M1544I variant (also known as c.4632G>T), located in coding exon 32 of the MYH11 gene, results from a G to T substitution at nucleotide position 4632. The methionine at codon 1544 is replaced by isoleucine, an amino acid with highly similar properties. This amino acid position is conserved. In addition, the in silico prediction for this alteration is inconclusive. Based on the available evidence, the clinical significance of this alteration remains unclear.

NM_002474.3(MYH11):c.4632G>T (p.Met1544Ile)

Genes: NDE1 (nudE neurodevelopment protein 1; plus strand), MYH11 (myosin heavy chain 11; minus strand). Cytogenetic location: 16p13.11.
Variant type: single nucleotide variant.
Coding change: c.4632G>T on transcript NM_002474.3 (MANE Select); coding-DNA position 4632, G replaced by T.
Protein change: p.Met1544Ile; replaces methionine 1544 with isoleucine.
Molecular consequence: missense variant. On other transcripts: intron variant (2).
Genome position (GRCh38, 1-based): chr16:15,720,998, C>A on the plus strand (G>T on the coding strand, the complement: MYH11 is on the minus strand). VCF-style: chr16-15720998-C-A. GRCh37 (hg19) VCF-style: chr16-15814855-C-A.
Other names: c.4653G>T, p.Met1551Ile (NM_001040113.2, NM_001040114.2); c.4632G>T, p.Met1544Ile (NM_022844.3); c.948-3193C>A (NM_001143979.2, NM_017668.3); short protein forms M1544I, M1551I.
Identifiers: ClinVar variation 3222388 (VCV003222388.2), dbSNP rs1064797005, ClinGen allele CA394854413.